The following is an entry in ClinVar:

ClinVar aggregate classification (germline): Uncertain significance (0 of 4 stars; one submission).

Submission:

Richard Lifton Laboratory, Yale University School of Medicine
Classification: Uncertain significance. Review status: no assertion criteria provided. Collection method: not provided. Allele origin: somatic.
Comment: APOB
ClinVar note: Converted during submission from unknown to Uncertain significance.

NM_000384.3(APOB):c.5562C>A (p.Asp1854Glu)

Gene: APOB (apolipoprotein B; minus strand). Cytogenetic location: 2p24.1.
Variant type: single nucleotide variant.
Coding change: c.5562C>A on transcript NM_000384.3 (MANE Select); coding-DNA position 5562, C replaced by A.
Protein change: p.Asp1854Glu; replaces aspartic acid 1854 with glutamic acid.
Molecular consequence: missense variant.
Genome position (GRCh38, 1-based): chr2:21,011,306, G>T on the plus strand (C>A on the coding strand, the complement: APOB is on the minus strand). VCF-style: chr2-21011306-G-T. GRCh37 (hg19) VCF-style: chr2-21234178-G-T.
Other names: short protein forms D1854E.
Identifiers: ClinVar variation 91911 (VCV000091911.2), dbSNP rs386352278, ClinGen allele CA022863.